The following is an entry in ClinVar:

NM_001003722.2(GLE1):c.1038_1039insTGGCCGGGCGCGGTGGCTCACGCCTGTAATCCCAGCACTTTGGGAGGCCGAGGCGGGCGGATCACGAGGTCAGNNNNNNNNNNAAAAAAAAAAAAAAAAAAAAAAGAAGAGGCCCAGGTA (p.Val346_Lys347insTrpProGlyAlaValAlaHisAlaCysAsnProSerThrLeuGlyGlyArgGlyGlyArgIleThrArgSerXaaXaaXaaXaaLysLysLysLysLysLysLysGluGluAlaGlnVal)

Gene: GLE1 (GLE1 RNA export mediator; plus strand). Cytogenetic location: 9q34.11.
Variant type: Microsatellite.
Coding change: c.1038_1039insTGGCCGGGCGCGGTGGCTCACGCCTGTAATCCCAGCACTTTGGGAGGCCGAGGCGGGCGGATCACGAGGTCAGNNNNNNNNNNAAAAAAAAAAAAAAAAAAAAAAGAAGAGGCCCAGGTA on transcript NM_001003722.2 (MANE Select); coding-DNA positions 1038 to 1039, TGGCCGGGCGCGGTGGCTCACGCCTGTAATCCCAGCACTTTGGGAGGCCGAGGCGGGCGGATCACGAGGTCAGNNNNNNNNNNAAAAAAAAAAAAAAAAAAAAAAGAAGAGGCCCAGGTA inserted.
Protein change: p.Val346_Lys347insTrpProGlyAlaValAlaHisAlaCysAsnProSerThrLeuGlyGlyArgGlyGlyArgIleThrArgSerXaaXaaXaaXaaLysLysLysLysLysLysLysGluGluAlaGlnVal.
Molecular consequence: inframe insertion.
Genome position: GRCh38: chr9:128,525,316-128,525,332. GRCh37 (hg19), VCF-style position (the base before the change): chr9:131,287,594.
Other names: c.1038_1039insTGGCCGGGCGCGGTGGCTCACGCCTGTAATCCCAGCACTTTGGGAGGCCGAGGCGGGCGGATCACGAGGTCAGNNNNNNNNNNAAAAAAAAAAAAAAAAAAAAAAGAAGAGGCCCAGGTA, p.Val346_Lys347insTrpProGlyAlaValAlaHisAlaCysAsnProSerThrLeuGlyGlyArgGlyGlyArgIleThrArgSerXaaXaaXaaXaaLysLysLysLysLysLysLysGluGluAlaGlnVal (NM_001411013.1, NM_001499.2).
Identifiers: ClinVar variation 2832348 (VCV002832348.3).

ClinVar aggregate classification (germline): Pathogenic (1 of 4 stars; one submission).

Submission:

Labcorp Genetics (formerly Invitae), Labcorp
Classification: Pathogenic. Last evaluated: 2023-01-27. Review status: criteria provided, single submitter. Criteria: Invitae Variant Classification Sherloc (09022015). Collection method: clinical testing. Allele origin: germline.
Comment: This variant is not present in population databases (gnomAD no frequency). For these reasons, this variant has been classified as Pathogenic. Retrotransposon insertions including LINE1 (L1), Alu, and SVA (SINE-VNTR-Alu) have been reported to be disease-causing through disruption of either a coding region or splice site (PMID: 19763152, 20307669, 22406018) and loss-of-function variants in GLE1 are known to be pathogenic (PMID: 18204449, 24243016, 27684565). Algorithms developed to predict the effect of sequence changes on RNA splicing suggest that this variant may disrupt the consensus splice site. This variant has not been reported in the literature in individuals affected with GLE1-related conditions. This sequence change inserts a large fragment of DNA, likely a transposable element, in exon 7 of the GLE1 gene (c.1038_1039ins?), causing a frameshift at codon 347 (p.Lys347fs). The exact size and sequence of the insertion cannot be determined by the current assay. However, the insertion is expected to result in an absent or disrupted protein product.

Literature cited by the submitters: PubMed 19763152; PubMed 20307669; PubMed 22406018; PubMed 18204449; PubMed 24243016; PubMed 27684565.